The following is an entry in ClinVar:

ClinVar aggregate classification (germline): Uncertain significance (1 of 4 stars; one submission).

Conditions:
Joubert syndrome 21 (JBTS21). Identifiers: MedGen C3810212, MONDO:0014288, OMIM 615636.

Submission:

Labcorp Genetics (formerly Invitae), Labcorp
Classification: Uncertain significance for Joubert syndrome 21. Last evaluated: 2022-10-05. Review status: criteria provided, single submitter. Criteria: Invitae Variant Classification Sherloc (09022015). Collection method: clinical testing. Allele origin: germline.
Comment: Algorithms developed to predict the effect of missense changes on protein structure and function (SIFT, PolyPhen-2, Align-GVGD) all suggest that this variant is likely to be tolerated. This sequence change replaces valine, which is neutral and non-polar, with alanine, which is neutral and non-polar, at codon 433 of the CSPP1 protein (p.Val433Ala). This variant is not present in population databases (gnomAD no frequency). This variant has not been reported in the literature in individuals affected with CSPP1-related conditions. ClinVar contains an entry for this variant (Variation ID: 1474704). In summary, the available evidence is currently insufficient to determine the role of this variant in disease. Therefore, it has been classified as a Variant of Uncertain Significance.

NM_001382391.1(CSPP1):c.1313T>C (p.Val438Ala)

Gene: CSPP1 (centrosome and spindle pole associated protein 1; plus strand). Cytogenetic location: 8q13.2.
Variant type: single nucleotide variant.
Coding change: c.1313T>C on transcript NM_001382391.1 (MANE Select); coding-DNA position 1313, T replaced by C.
Protein change: p.Val438Ala; replaces valine 438 with alanine.
Molecular consequence: missense variant.
Genome position (GRCh38, 1-based): chr8:67,115,939, T>C. VCF-style: chr8-67115939-T-C. GRCh37 (hg19) VCF-style: chr8-68028174-T-C.
Other names: c.416T>C, p.Val139Ala (NM_001291339.2); c.1232T>C, p.Val411Ala (NM_001363131.2); c.1271T>C, p.Val424Ala (NM_001363132.2); c.1190T>C, p.Val397Ala (NM_001363133.2); c.1379T>C, p.Val460Ala (NM_001364869.1); c.1199T>C, p.Val400Ala (NM_001364870.1); c.1298T>C, p.Val433Ala (NM_024790.7); short protein forms V397A, V438A, V400A, V424A, V460A, V411A, V139A, V433A.
Identifiers: ClinVar variation 1474704 (VCV001474704.8), dbSNP rs2129550845, ClinGen allele CA371198135.